The following is an entry in ClinVar:

NM_147127.5(EVC2):c.3643C>T (p.Arg1215Cys)

Gene: EVC2 (EvC ciliary complex subunit 2; minus strand). Cytogenetic location: 4p16.2.
Variant type: single nucleotide variant.
Coding change: c.3643C>T on transcript NM_147127.5 (MANE Select); coding-DNA position 3643, C replaced by T.
Protein change: p.Arg1215Cys; replaces arginine 1215 with cysteine.
Molecular consequence: missense variant.
Genome position (GRCh38, 1-based): chr4:5,565,274, G>A on the plus strand (C>T on the coding strand, the complement: EVC2 is on the minus strand). VCF-style: chr4-5565274-G-A. GRCh37 (hg19) VCF-style: chr4-5567001-G-A.
Other names: c.3403C>T, p.Arg1135Cys (NM_001166136.2); short protein forms R1215C, R1135C.
Identifiers: ClinVar variation 348981 (VCV000348981.6), dbSNP rs763433901, ClinGen allele CA2834243.
Genomic context (GRCh38, chr4:5,565,274, plus strand): 5'-AGCTCACCCCCTCCCCAGCCACATGAGCAGGTGCCCATCATTACCTCTGCTTTCTCTTGC[G>A]GGCCCACAGCATCTTTTCTAATCCTCTGCTTATCAGATCTCCTCGCAGTTTGCCATCTAA-3'
Protein context (NP_667338.3, residues 1205-1225): SRGLEKMLWA[Arg1215Cys]KRKQSILKKT

ClinVar aggregate classification (germline): Uncertain significance. Review status: criteria provided, multiple submitters, no conflicts (2 of 4 stars). 2 submissions from 2 submitters: Uncertain significance (2). Last evaluated 2022-09-27.

Conditions:
Ellis-van Creveld syndrome (EVC). Also called: EVC-Related Ellis-van Creveld Syndrome; EVC2-Related Ellis-van Creveld Syndrome; MESOECTODERMAL DYSPLASIA; Chondroectodermal dysplasia. Identifiers: Orphanet 289, MedGen C0013903, MONDO:0009162, OMIM 225500.
Curry-Hall syndrome (WAD). Also called: WEYERS ACRODENTAL DYSOSTOSIS. Identifiers: Orphanet 952, MedGen C0457013, MONDO:0008673, OMIM 193530.

Allele frequency attached by ClinVar (database versions not stated): gnomAD 0.00001; TOPMed 0.00003.
gnomAD v4.1: 29 of 1,613,710 alleles (0.0018%); highest among the groups gnomAD compares: East Asian, 0.02%; no homozygotes.

Submissions (2):

Labcorp Genetics (formerly Invitae), Labcorp
Classification: Uncertain significance for Curry-Hall syndrome; Ellis-van Creveld syndrome. Last evaluated: 2022-09-27. Review status: criteria provided, single submitter. Criteria: Invitae Variant Classification Sherloc (09022015). Collection method: clinical testing. Allele origin: germline.
Comment: This sequence change replaces arginine, which is basic and polar, with cysteine, which is neutral and slightly polar, at codon 1215 of the EVC2 protein (p.Arg1215Cys). This variant is present in population databases (rs763433901, gnomAD 0.04%). This variant has not been reported in the literature in individuals affected with EVC2-related conditions. ClinVar contains an entry for this variant (Variation ID: 348981). Algorithms developed to predict the effect of missense changes on protein structure and function are either unavailable or do not agree on the potential impact of this missense change (SIFT: "Deleterious"; PolyPhen-2: "Possibly Damaging"; Align-GVGD: "Class C0"). In summary, the available evidence is currently insufficient to determine the role of this variant in disease. Therefore, it has been classified as a Variant of Uncertain Significance.

Illumina Laboratory Services, Illumina
Classification: Uncertain significance for Ellis-van Creveld syndrome. Last evaluated: 2018-01-12. Review status: criteria provided, single submitter. Criteria: ICSL Variant Classification Criteria 13 December 2019. Collection method: clinical testing. Allele origin: germline.